The following is an entry in ClinVar:

NM_001166108.2(PALLD):c.2134C>G (p.Leu712Val)

Genes: CBR4 (carbonyl reductase 4; minus strand), PALLD (palladin, cytoskeletal associated protein; plus strand). Cytogenetic location: 4q32.3.
Variant type: single nucleotide variant.
Coding change: c.2134C>G on transcript NM_001166108.2 (MANE Select); coding-DNA position 2134, C replaced by G.
Protein change: p.Leu712Val; replaces leucine 712 with valine.
Molecular consequence: missense variant.
Genome position (GRCh38, 1-based): chr4:168,894,612, C>G. VCF-style: chr4-168894612-C-G. GRCh37 (hg19) VCF-style: chr4-169815763-C-G.
Other names: c.988C>G, p.Leu330Val (NM_001166109.2); c.673C>G, p.Leu225Val (NM_001166110.2); c.13C>G, p.Leu5Val (NM_001367567.1, NM_001367568.1, NM_001367569.1 and 1 more transcripts); c.2134C>G, p.Leu712Val (NM_016081.4); short protein forms L225V, L330V, L712V, L5V.
Identifiers: ClinVar variation 4841854 (VCV004841854.1).

ClinVar aggregate classification (germline): Uncertain significance (1 of 4 stars; one submission).

gnomAD v4.1: 1 of 1,613,534 alleles (0.000062%); no homozygotes.

Submission:

Ambry Genetics
Classification: Uncertain significance. Last evaluated: 2025-12-21. Review status: criteria provided, single submitter. Criteria: Ambry Variant Classification Scheme 2023. Collection method: clinical testing. Allele origin: germline.
Comment: The p.L225V variant (also known as c.673C>G), located in coding exon 3 of the PALLD gene, results from a C to G substitution at nucleotide position 673. The leucine at codon 225 is replaced by valine, an amino acid with highly similar properties. This amino acid position is conserved. In addition, the in silico prediction for this alteration is inconclusive. Based on the available evidence, the clinical significance of this variant remains unclear.